The following is an entry in ClinVar:

NM_020911.2(PLXNA4):c.4876C>T (p.Arg1626Trp)

Gene: PLXNA4 (plexin A4; minus strand). Cytogenetic location: 7q32.3.
Variant type: single nucleotide variant.
Coding change: c.4876C>T on transcript NM_020911.2 (MANE Select); coding-DNA position 4876, C replaced by T.
Protein change: p.Arg1626Trp; replaces arginine 1626 with tryptophan.
Molecular consequence: missense variant.
Genome position (GRCh38, 1-based): chr7:132,146,689, G>A on the plus strand (C>T on the coding strand, the complement: PLXNA4 is on the minus strand). VCF-style: chr7-132146689-G-A. GRCh37 (hg19) VCF-style: chr7-131831448-G-A.
Other names: c.4876C>T, p.Arg1626Trp (NM_001393897.1); short protein forms R1626W.
Identifiers: ClinVar variation 3350447 (VCV003350447.1).

ClinVar aggregate classification (germline): Uncertain significance (0 of 4 stars; one submission).

Conditions:
PLXNA4-related disorder. Also called: PLXNA4-related condition.

gnomAD v4.1: 17 of 1,614,058 alleles (0.0011%); highest among the groups gnomAD compares: African/African-American, 0.004%; no homozygotes.

Submission:

PreventionGenetics, part of Exact Sciences
Classification: Uncertain significance for PLXNA4-related condition. Last evaluated: 2024-05-08. Review status: no assertion criteria provided. Collection method: clinical testing. Allele origin: germline.
Comment: The PLXNA4 c.4876C>T variant is predicted to result in the amino acid substitution p.Arg1626Trp. To our knowledge, this variant has not been reported in the literature. This variant is reported in 0.0033% of alleles in individuals of South Asian descent in gnomAD. At this time, the clinical significance of this variant is uncertain due to the absence of conclusive functional and genetic evidence.